The following is an entry in ClinVar:

NM_019098.5(CNGB3):c.130-1G>T

Gene: CNGB3 (cyclic nucleotide gated channel subunit beta 3; minus strand). Cytogenetic location: 8q21.3.
Variant type: single nucleotide variant.
Coding change: c.130-1G>T on transcript NM_019098.5 (MANE Select); the canonical splice acceptor site of the intron before coding-DNA position 130, G replaced by T.
Molecular consequence: splice acceptor variant.
Genome position (GRCh38, 1-based): chr8:86,739,737, C>A on the plus strand (G>T on the coding strand, the complement: CNGB3 is on the minus strand). VCF-style: chr8-86739737-C-A. GRCh37 (hg19) VCF-style: chr8-87751965-C-A.
Identifiers: ClinVar variation 427696 (VCV000427696.9), dbSNP rs1554619303, ClinGen allele CA371456817.

ClinVar aggregate classification (germline): Pathogenic/Likely pathogenic. Review status: criteria provided, multiple submitters, no conflicts (2 of 4 stars). 5 submissions from 5 submitters: Pathogenic (1); Likely pathogenic (3). 1 of the submissions does not count toward it. Last evaluated 2025-03-31.

Conditions:
CNGB3-related disorder. Also called: CNGB3-related disorders; CNGB3-related condition. Identifiers: MedGen CN239340.
Achromatopsia. Also called: Rod monochromatism. Identifiers: Orphanet 49382, MedGen C0152200, MONDO:0018852, HP:0011516.
Achromatopsia 3 (ACHM3). Also called: PINGELAPESE BLINDNESS; ACHROMATOPSIA WITH MYOPIA; TOTAL COLORBLINDNESS WITH MYOPIA; ROD MONOCHROMACY 1; ROD MONOCHROMATISM 1. Identifiers: Orphanet 49382, MedGen C1849792, MONDO:0009875, OMIM 262300.

Allele frequency attached by ClinVar (database versions not stated): gnomAD exomes below 0.00001.
gnomAD v4.1: 1 of 1,611,098 alleles (0.000062%); highest among the groups gnomAD compares: Non-Finnish European, 0.000085%; no homozygotes.

Submissions (5):

Natera, Inc.
Classification: Pathogenic for Achromatopsia. Last evaluated: 2025-03-31. Review status: criteria provided, single submitter. Criteria: Natera Variant Classification Schema (03/2026). Collection method: clinical testing. Allele origin: germline.
Comment: The c.130-1G>T variant in CNGB3 is a canonical splice acceptor site variant predicted to affect pre-mRNA splicing, which may result in an abnormal transcript and altered protein product. This variant is expected to result in nonsense mediated decay, truncation, or a dysfunctional protein product. This variant is rare in the general population with a frequency below the threshold expected for the associated phenotype(s). This variant has been observed in one or more individuals affected with the associated recessive disease, as either homozygous or compound heterozygous with a second variant (PMID: 29618791). Given the available evidence, this variant is classified as Pathogenic.

Myriad Genetics, Inc.
Classification: Likely pathogenic for Achromatopsia 3. Last evaluated: 2025-02-19. Review status: criteria provided, single submitter. Criteria: Myriad Autosomal Dominant, Autosomal Recessive and X-Linked Classification Criteria (2023). Collection method: clinical testing. Allele origin: unknown.
Comment: NM_019098.4(CNGB3):c.130-1G>T is a variant in a canonical splice site classified as likely pathogenic in the context of achromatopsia, CNGB3-related. c.130-1G>T has been observed in a case with relevant disease (PMID: 28795510). Relevant functional assessments of this variant are not available in the literature. c.130-1G>T has not been observed in referenced population frequency databases. In summary, NM_019098.4(CNGB3):c.130-1G>T is a variant in a canonical splice site in a gene where loss of function is a known mechanism of disease, is predicted to disrupt protein function, and has been observed more frequently in cases with the relevant disease than in healthy populations. Please note: this variant was assessed in the context of healthy population screening.

Labcorp Genetics (formerly Invitae), Labcorp
Classification: Likely pathogenic. Last evaluated: 2023-12-11. Review status: criteria provided, single submitter. Criteria: Invitae Variant Classification Sherloc (09022015). Collection method: clinical testing. Allele origin: germline.
Comment: This sequence change affects an acceptor splice site in intron 1 of the CNGB3 gene. It is expected to disrupt RNA splicing. Variants that disrupt the donor or acceptor splice site typically lead to a loss of protein function (PMID: 16199547), and loss-of-function variants in CNGB3 are known to be pathogenic (PMID: 28795510). This variant is not present in population databases (gnomAD no frequency). Disruption of this splice site has been observed in individual(s) with achromatopsia (PMID: 28795510). ClinVar contains an entry for this variant (Variation ID: 427696). Algorithms developed to predict the effect of sequence changes on RNA splicing suggest that this variant may disrupt the consensus splice site. In summary, the currently available evidence indicates that the variant is pathogenic, but additional data are needed to prove that conclusively. Therefore, this variant has been classified as Likely Pathogenic.

Blueprint Genetics
Classification: Likely pathogenic for CNGB3-related disorders. Last evaluated: 2021-04-06. Review status: criteria provided, single submitter. Criteria: ACMG Guidelines, 2015. Collection method: clinical testing. Allele origin: germline. Affected: yes. Observed: 1 variant allele.

Molecular Genetics Laboratory, Institute for Ophthalmic Research
Classification: Pathogenic for ACHM3. Last evaluated: 2017-03-27. Review status: no assertion criteria provided. Collection method: research. Allele origin: maternal. Affected: yes. Not counted in ClinVar's aggregate classification.

Literature cited by the submitters: PubMed 29618791 (cited by Natera, Inc.); PubMed 28795510 (cited by 3 submitters); PubMed 16199547 (cited by Labcorp Genetics (formerly Invitae), Labcorp).